The following is an entry in ClinVar:

ClinVar aggregate classification (germline): Uncertain significance. Review status: criteria provided, multiple submitters, no conflicts (2 of 4 stars). 2 submissions from 2 submitters: Uncertain significance (2). Last evaluated 2025-01-23.

Conditions:
Genitopatellar syndrome (GTPTS). Also called: Genitopatellar syndrome (GPS); ABSENT PATELLAE, SCROTAL HYPOPLASIA, RENAL ANOMALIES, FACIAL DYSMORPHISM, AND MENTAL RETARDATION. Identifiers: Orphanet 85201, MedGen C1853566, MONDO:0011640, OMIM 606170.

Submissions (2):

Labcorp Genetics (formerly Invitae), Labcorp
Classification: Uncertain significance for Genitopatellar syndrome. Last evaluated: 2025-01-23. Review status: criteria provided, single submitter. Criteria: Invitae Variant Classification Sherloc (09022015). Collection method: clinical testing. Allele origin: germline.
Comment: This sequence change replaces isoleucine, which is neutral and non-polar, with methionine, which is neutral and non-polar, at codon 1943 of the KAT6B protein (p.Ile1943Met). This variant is not present in population databases (gnomAD no frequency). This variant has not been reported in the literature in individuals affected with KAT6B-related conditions. ClinVar contains an entry for this variant (Variation ID: 1307553). Invitae Evidence Modeling of protein sequence and biophysical properties (such as structural, functional, and spatial information, amino acid conservation, physicochemical variation, residue mobility, and thermodynamic stability) indicates that this missense variant is not expected to disrupt KAT6B protein function with a negative predictive value of 80%. In summary, the available evidence is currently insufficient to determine the role of this variant in disease. Therefore, it has been classified as a Variant of Uncertain Significance.

GeneDx
Classification: Uncertain significance. Last evaluated: 2019-08-06. Review status: criteria provided, single submitter. Criteria: GeneDx Variant Classification Process June 2021. Collection method: clinical testing. Allele origin: germline. Affected: yes.
Comment: Not observed in large population cohorts (Lek et al., 2016); In silico analysis, which includes protein predictors and evolutionary conservation, supports that this variant does not alter protein structure/function; Has not been previously published as pathogenic or benign to our knowledge

NM_012330.4(KAT6B):c.5829C>G (p.Ile1943Met)

Gene: KAT6B (lysine acetyltransferase 6B; plus strand). Cytogenetic location: 10q22.2.
Variant type: single nucleotide variant.
Coding change: c.5829C>G on transcript NM_012330.4 (MANE Select); coding-DNA position 5829, C replaced by G.
Protein change: p.Ile1943Met; replaces isoleucine 1943 with methionine.
Molecular consequence: missense variant.
Genome position (GRCh38, 1-based): chr10:75,030,653, C>G. VCF-style: chr10-75030653-C-G. GRCh37 (hg19) VCF-style: chr10-76790411-C-G.
Other names: c.5280C>G, p.Ile1760Met (NM_001256468.2, NM_001370138.1); c.4953C>G, p.Ile1651Met (NM_001256469.2, NM_001370139.1, NM_001370140.1 and 2 more transcripts); c.4791C>G, p.Ile1597Met (NM_001370132.1); c.4140C>G, p.Ile1380Met (NM_001370133.1); c.3744C>G, p.Ile1248Met (NM_001370134.1); c.3486C>G, p.Ile1162Met (NM_001370135.1); c.5829C>G, p.Ile1943Met (NM_001370136.1, NM_001370137.1); c.4764C>G, p.Ile1588Met (NM_001370143.1, NM_001370144.1); short protein forms I1162M, I1248M, I1380M, I1588M, I1597M, I1651M, I1760M, I1943M.
Identifiers: ClinVar variation 1307553 (VCV001307553.4), dbSNP rs2134253708, ClinGen allele CA377302252.